The following is an entry in ClinVar:

NM_004991.4(MECOM):c.1042C>T (p.His348Tyr)

Gene: MECOM (MDS1 and EVI1 complex locus; minus strand). Cytogenetic location: 3q26.2.
Variant type: single nucleotide variant.
Coding change: c.1042C>T on transcript NM_004991.4 (MANE Select); coding-DNA position 1042, C replaced by T.
Protein change: p.His348Tyr; replaces histidine 348 with tyrosine.
Molecular consequence: missense variant.
Genome position (GRCh38, 1-based): chr3:169,121,146, G>A on the plus strand (C>T on the coding strand, the complement: MECOM is on the minus strand). VCF-style: chr3-169121146-G-A. GRCh37 (hg19) VCF-style: chr3-168838934-G-A.
Other names: c.673C>T, p.His225Tyr (NM_001105077.4); c.478C>T, p.His160Tyr (NM_001105078.4, NM_001164000.2, NM_001205194.2 and 5 more transcripts); c.481C>T, p.His161Tyr (NM_001163999.2, NM_001366467.2, NM_001366468.2 and 1 more transcripts); c.1042C>T, p.His348Tyr (NM_001366466.2, NM_001366473.2); short protein forms H225Y, H348Y, H160Y, H161Y.
Identifiers: ClinVar variation 4053305 (VCV004053305.1).

ClinVar aggregate classification (germline): Uncertain significance (1 of 4 stars; one submission).

Conditions:
Inborn genetic diseases. Identifiers: MedGen C0950123, MeSH D030342.

gnomAD v4.1: 1 of 1,613,584 alleles (0.000062%); highest among the groups gnomAD compares: Non-Finnish European, 0.000085%; no homozygotes.

Submission:

Ambry Genetics
Classification: Uncertain significance for Inborn genetic diseases. Last evaluated: 2025-05-31. Review status: criteria provided, single submitter. Criteria: Ambry Variant Classification Scheme 2023. Collection method: clinical testing. Allele origin: germline.
Comment: The p.H348Y variant (also known as c.1042C>T), located in coding exon 7 of the MECOM gene, results from a C to T substitution at nucleotide position 1042. The histidine at codon 348 is replaced by tyrosine, an amino acid with similar properties. This amino acid position is conserved. In addition, the in silico prediction for this alteration is inconclusive. Based on the available evidence, the clinical significance of this variant remains unclear.